The following is an entry in ClinVar:

NM_001378454.1(ALMS1):c.5683T>A (p.Ser1895Thr)

Gene: ALMS1 (ALMS1 centrosome and basal body associated protein; plus strand). Cytogenetic location: 2p13.1.
Variant type: single nucleotide variant.
Coding change: c.5683T>A on transcript NM_001378454.1 (MANE Select); coding-DNA position 5683, T replaced by A.
Protein change: p.Ser1895Thr; replaces serine 1895 with threonine.
Molecular consequence: missense variant.
Genome position (GRCh38, 1-based): chr2:73,452,210, T>A. VCF-style: chr2-73452210-T-A. GRCh37 (hg19) VCF-style: chr2-73679337-T-A.
Other names: c.5686T>A, p.Ser1896Thr (NM_015120.4); short protein forms S1896T, S1895T.
Identifiers: ClinVar variation 451665 (VCV000451665.6), dbSNP rs1288519568, ClinGen allele CA347282958.
Genomic context (GRCh38, chr2:73,452,210, plus strand): 5'-GCAATAGGGGTTCCTGGGCCTGCTGACCAGAAGACTGGGATACAAATAGCATCCTCTAGT[T>A]CCTACTCAAATAGAGAGAAGGCCAGTATTTTTCATCAGCAGGAGTTGCCAGATGTTACTG-3'
Protein context (NP_001365383.1, residues 1885-1905): KTGIQIASSS[Ser1895Thr]YSNREKASIF

ClinVar aggregate classification (germline): Conflicting classifications of pathogenicity. Review status: criteria provided, conflicting classifications (1 of 4 stars). 4 submissions from 4 submitters: Uncertain significance (3); Likely benign (1). Last evaluated 2023-10-27.

Conditions:
Cardiovascular phenotype. Identifiers: MedGen CN230736.
Alstrom syndrome (ALMS). Identifiers: Orphanet 64, MedGen C0268425, MONDO:0008763, OMIM 203800.

Allele frequency attached by ClinVar (database versions not stated): gnomAD exomes below 0.00001; TOPMed below 0.00001; gnomAD 0.00001.
gnomAD v4.1: 5 of 1,614,010 alleles (0.00031%); highest among the groups gnomAD compares: African/African-American, 0.0067%; no homozygotes.

Submissions (4):

Ambry Genetics
Classification: Likely benign for Cardiovascular phenotype. Last evaluated: 2023-10-27. Review status: criteria provided, single submitter. Criteria: Ambry Variant Classification Scheme 2023. Collection method: clinical testing. Allele origin: germline.

Labcorp Genetics (formerly Invitae), Labcorp
Classification: Uncertain significance for Alstrom syndrome. Last evaluated: 2022-07-19. Review status: criteria provided, single submitter. Criteria: Invitae Variant Classification Sherloc (09022015). Collection method: clinical testing. Allele origin: germline.
Comment: This sequence change replaces serine with threonine at codon 1896 of the ALMS1 protein (p.Ser1896Thr). The serine residue is weakly conserved and there is a small physicochemical difference between serine and threonine. This variant is not present in population databases (gnomAD no frequency). This variant has not been reported in the literature in individuals affected with ALMS1-related conditions. ClinVar contains an entry for this variant (Variation ID: 451665). Experimental studies and prediction algorithms are not available or were not evaluated, and the functional significance of this variant is currently unknown. In summary, the available evidence is currently insufficient to determine the role of this variant in disease. Therefore, it has been classified as a Variant of Uncertain Significance.

Fulgent Genetics
Classification: Uncertain significance for Alstrom syndrome. Last evaluated: 2021-10-18. Review status: criteria provided, single submitter. Criteria: ACMG Guidelines, 2015. Collection method: clinical testing. Allele origin: unknown.

GeneDx
Classification: Uncertain significance. Last evaluated: 2017-08-24. Review status: criteria provided, single submitter. Criteria: GeneDx Variant Classification (06012015). Collection method: clinical testing. Allele origin: germline. Affected: yes.
Comment: A variant of uncertain significance has been identified in the ALMS1 gene. The S1896T variant has not been published as pathogenic or been reported as benign to our knowledge. This variant is not observed in large population cohorts (Lek et al., 2016; 1000 Genomes Consortium et al., 2015; Exome Variant Server). However, the S1896T variant is a conservative amino acid substitution, which is not likely to impact secondary protein structure as these residues share similar properties. This substitution occurs at a position that is not conserved across species. Finally, in silico analysis suggests that this variant likely does not alter the protein structure/function.